The following is an entry in ClinVar:

ClinVar aggregate classification (germline): Uncertain significance (1 of 4 stars; one submission).

Conditions:
Hereditary cancer-predisposing syndrome. Also called: Tumor predisposition; Hereditary Cancer Syndrome; Hereditary neoplastic syndrome; Neoplastic Syndromes, Hereditary. Identifiers: Orphanet 140162, MedGen C0027672, MeSH D009386, MONDO:0015356.

Submission:

Ambry Genetics
Classification: Uncertain significance for Hereditary cancer-predisposing syndrome. Last evaluated: 2024-01-03. Review status: criteria provided, single submitter. Criteria: Ambry Variant Classification Scheme 2023. Collection method: clinical testing. Allele origin: germline.
Comment: The p.L49V variant (also known as c.145C>G), located in coding exon 1 of the CDKN2A gene, results from a C to G substitution at nucleotide position 145. The leucine at codon 49 is replaced by valine, an amino acid with highly similar properties. This amino acid position is well conserved in available vertebrate species. In addition, this alteration is predicted to be tolerated by in silico analysis. Since supporting evidence is limited at this time, the clinical significance of this alteration remains unclear.

NM_058195.4(CDKN2A):c.145C>G (p.Leu49Val)

Gene: CDKN2A (cyclin dependent kinase inhibitor 2A; minus strand). Cytogenetic location: 9p21.3.
Variant type: single nucleotide variant.
Coding change: c.145C>G on transcript NM_058195.4 (MANE Plus Clinical); coding-DNA position 145, C replaced by G.
Protein change: p.Leu49Val; replaces leucine 49 with valine.
Molecular consequence: missense variant. On other transcripts: intron variant (1).
Genome position (GRCh38, 1-based): chr9:21,994,187, G>C on the plus strand (C>G on the coding strand, the complement: CDKN2A is on the minus strand). VCF-style: chr9-21994187-G-C. GRCh37 (hg19) VCF-style: chr9-21994186-G-C.
Other names: c.-4+634C>G (NM_001363763.2); short protein forms L49V.
Identifiers: ClinVar variation 3228937 (VCV003228937.1), dbSNP rs1554659187, ClinGen allele CA373086858.